The following continues an entry in ClinVar:

NM_007294.4(BRCA1):c.2060A>C (p.Gln687Pro)

Gene: BRCA1. ClinVar aggregate classification (germline): Conflicting classifications of pathogenicity. Uncertain significance (8); Benign (3); Likely benign (2).

Submissions 8 to 15 of 15:

Color Diagnostics, LLC DBA Color Health
Classification: Uncertain significance for Hereditary cancer-predisposing syndrome. Last evaluated: 2024-06-20. Review status: criteria provided, single submitter. Criteria: ACMG Guidelines, 2015. Collection method: clinical testing. Allele origin: germline.
Comment: This missense variant replaces glutamine with proline at codon 687 of the BRCA1 protein. Computational prediction is inconclusive regarding the impact of this variant on protein structure and function. To our knowledge, functional studies have not been reported for this variant. This variant has been detected in a breast cancer case-control meta-analysis in 1/60466 cases and 1/53461 unaffected individuals (PMID: 33471991; Leiden Open Variation Database DB-ID BRCA1_000181). A multifactorial analysis has reported likelihood ratios for pathogenicity based on co-occurrence with a pathogenic variant and family history of 1.0673 and 0.311, respectively (PMID: 31131967). This variant has been identified in 3/282714 chromosomes in the general population by the Genome Aggregation Database (gnomAD). The available evidence is insufficient to determine the role of this variant in disease conclusively. Therefore, this variant is classified as a Variant of Uncertain Significance.

Molecular Pathology, Peter Maccallum Cancer Centre
Classification: Benign for Breast-ovarian cancer, familial, susceptibility to, 1. Last evaluated: 2024-03-01. Review status: criteria provided, single submitter. Criteria: ACMG Guidelines, 2015. Collection method: clinical testing. Allele origin: germline. Inheritance: Autosomal dominant inheritance.

Fulgent Genetics
Classification: Uncertain significance for Breast-ovarian cancer, familial, susceptibility to, 1; Pancreatic cancer, susceptibility to, 4; Fanconi anemia, complementation group S. Last evaluated: 2024-01-14. Review status: criteria provided, single submitter. Criteria: ACMG Guidelines, 2015. Collection method: clinical testing. Allele origin: germline.

GeneDx
Classification: Uncertain significance. Last evaluated: 2023-10-16. Review status: criteria provided, single submitter. Criteria: GeneDx Variant Classification Process June 2021. Collection method: clinical testing. Allele origin: germline. Affected: yes.
Comment: Not observed at significant frequency in large population cohorts (gnomAD); In silico analysis supports that this missense variant has a deleterious effect on protein structure/function; Also known as 2179A>C; This variant is associated with the following publications: (PMID: 16518693, 17719744, 20668451, 20167696, 25859162, 35205643, 31294896, 15385441, 31112341, 31911673, 23704879, 15343273, 31131967)

Mayo Clinic Laboratories, Mayo Clinic
Classification: Uncertain significance. Last evaluated: 2023-06-21. Review status: criteria provided, single submitter. Criteria: ACMG Guidelines, 2015. Collection method: clinical testing. Allele origin: germline. Observed: 1 variant allele.
Comment: BP1, PM2

University of Washington Department of Laboratory Medicine, University of Washington
Classification: Likely benign for Hereditary cancer-predisposing syndrome. Last evaluated: 2023-03-23. Review status: criteria provided, single submitter. Criteria: Dines et al. (Genet Med. 2020). Collection method: curation. Allele origin: germline.
Comment: Missense variant in a coldspot region where missense variants are very unlikely to be pathogenic (PMID:31911673).

BRCA1 coldspot (exon 11 using historical exon numbering). Reclassification based on statistical prior probability

Sharing Clinical Reports Project (SCRP)
Classification: Likely benign for Breast-ovarian cancer, familial 1. Last evaluated: 2010-03-15. Review status: no assertion criteria provided. Collection method: clinical testing. Allele origin: germline. Not counted in ClinVar's aggregate classification.

Breast Cancer Information Core (BIC) (BRCA1)
Classification: Uncertain significance for Breast-ovarian cancer, familial 1. Last evaluated: 2002-05-29. Review status: no assertion criteria provided. Collection method: clinical testing. Allele origin: germline. Affected: yes. Observed: 1 variant allele. Not counted in ClinVar's aggregate classification.

Literature cited by the submitters: PubMed 16518693 (cited by 3 submitters); PubMed 17719744 (cited by Ambry Genetics and Quest Diagnostics Nichols Institute San Juan Capistrano); PubMed 25859162 (cited by Ambry Genetics and Women's Health and Genetics/Laboratory Corporation of America, LabCorp); PubMed 15385441 (cited by Women's Health and Genetics/Laboratory Corporation of America, LabCorp and Quest Diagnostics Nichols Institute San Juan Capistrano); PubMed 23704879 (cited by Women's Health and Genetics/Laboratory Corporation of America, LabCorp and Quest Diagnostics Nichols Institute San Juan Capistrano); PubMed 20167696 (cited by Women's Health and Genetics/Laboratory Corporation of America, LabCorp); PubMed 31112341 (cited by Women's Health and Genetics/Laboratory Corporation of America, LabCorp); PubMed 31294896 (cited by Women's Health and Genetics/Laboratory Corporation of America, LabCorp and Quest Diagnostics Nichols Institute San Juan Capistrano); PubMed 38110397 (cited by Women's Health and Genetics/Laboratory Corporation of America, LabCorp and Quest Diagnostics Nichols Institute San Juan Capistrano); PubMed 31131967 (cited by 3 submitters); PubMed 33471991 (cited by 3 submitters); PubMed 31911673 (cited by Quest Diagnostics Nichols Institute San Juan Capistrano); PubMed 31853058 (cited by Quest Diagnostics Nichols Institute San Juan Capistrano); PubMed 33087888 (cited by Quest Diagnostics Nichols Institute San Juan Capistrano); PubMed 35205643 (cited by Quest Diagnostics Nichols Institute San Juan Capistrano).